The following is an entry in ClinVar:

ClinVar aggregate classification (germline): Pathogenic (1 of 4 stars; one submission).

Submission:

Labcorp Genetics (formerly Invitae), Labcorp
Classification: Pathogenic. Last evaluated: 2021-08-24. Review status: criteria provided, single submitter. Criteria: Invitae Variant Classification Sherloc (09022015). Collection method: clinical testing. Allele origin: germline.
Comment: This sequence change creates a premature translational stop signal (p.Glu508Lysfs*39) in the COL2A1 gene. It is expected to result in an absent or disrupted protein product. Loss-of-function variants in COL2A1 are known to be pathogenic (PMID: 20179744). This variant is not present in population databases (ExAC no frequency). This variant has not been reported in the literature in individuals affected with COL2A1-related conditions. For these reasons, this variant has been classified as Pathogenic.

Literature cited by the submitters: PubMed 20179744.

NM_001844.5(COL2A1):c.1522_1523del (p.Glu508fs)

Gene: COL2A1 (collagen type II alpha 1 chain; minus strand). Cytogenetic location: 12q13.11.
Variant type: Microsatellite.
Coding change: c.1522_1523del on transcript NM_001844.5 (MANE Select); coding-DNA positions 1522 to 1523, 2 bases deleted (GA; older notation c.1522_1523delGA).
Protein change: p.Glu508fs; shifts the reading frame from glutamic acid 508.
Molecular consequence: frameshift variant.
Genome position (GRCh38, 1-based): chr12:47,986,340-47,986,341, TC deleted on the plus strand (GA on the coding strand, the reverse complement: COL2A1 is on the minus strand); deleting any 2 consecutive bases within chr12:47,986,340-47,986,343 gives the same sequence; the c. name uses the placement nearest the transcript's 3' end. VCF-style (leftmost placement, unchanged base first): chr12-47986339-TTC-T. GRCh37 (hg19) VCF-style: chr12-48380122-TTC-T.
Other names: c.1315_1316del, p.Glu439fs (NM_033150.3); short protein forms E508fs, E439fs.
Identifiers: ClinVar variation 1363808 (VCV001363808.6), dbSNP rs2136570754, ClinGen allele CA2580615251.